The following is an entry in ClinVar:

NM_004526.4(MCM2):c.53G>C (p.Arg18Pro)

Gene: MCM2 (minichromosome maintenance complex component 2; plus strand). Cytogenetic location: 3q21.3.
Variant type: single nucleotide variant.
Coding change: c.53G>C on transcript NM_004526.4 (MANE Select); coding-DNA position 53, G replaced by C.
Protein change: p.Arg18Pro; replaces arginine 18 with proline.
Molecular consequence: missense variant. On other transcripts: non-coding transcript variant (1).
Genome position (GRCh38, 1-based): chr3:127,599,364, G>C. VCF-style: chr3-127599364-G-C. GRCh37 (hg19) VCF-style: chr3-127318207-G-C.
Other names: short protein forms R18P.
Identifiers: ClinVar variation 2506305 (VCV002506305.7), dbSNP rs185298481, ClinGen allele CA2595462.

ClinVar aggregate classification (germline): Benign/Likely benign. Review status: criteria provided, multiple submitters, no conflicts (2 of 4 stars). 5 submissions from 5 submitters: Benign (1); Likely benign (4). Last evaluated 2025-07-31.

Conditions:
MCM2-related disorder. Also called: MCM2-related condition.
Autosomal dominant nonsyndromic hearing loss 70. Also called: Deafness, autosomal dominant 70. Identifiers: Orphanet 90635, MedGen C4310775, MONDO:0014853, OMIM 616968.

Allele frequency attached by ClinVar (database versions not stated): 1000 Genomes Project 30x 0.00109; 1000 Genomes Project 0.00120.
gnomAD v4.1: 420 of 1,614,108 alleles (0.026%); highest among the groups gnomAD compares: East Asian, 0.89%; 3 homozygotes.

Submissions (5):

PreventionGenetics, part of Exact Sciences
Classification: Likely benign for MCM2-related condition. Last evaluated: 2025-07-31. Review status: criteria provided, single submitter. Criteria: ACMG Guidelines, 2015. Collection method: clinical testing. Allele origin: germline.
Comment: This variant is classified as likely benign based on ACMG/AMP sequence variant interpretation guidelines (Richards et al. 2015 PMID: 25741868, with internal and published modifications).

Labcorp Genetics (formerly Invitae), Labcorp
Classification: Benign. Last evaluated: 2025-01-10. Review status: criteria provided, single submitter. Criteria: Invitae Variant Classification Sherloc (09022015). Collection method: clinical testing. Allele origin: germline.

Blueprint Genetics
Classification: Likely benign. Last evaluated: 2024-11-25. Review status: criteria provided, single submitter. Criteria: ACMG Guidelines, 2015. Collection method: clinical testing. Allele origin: germline.

Department of Pathology and Laboratory Medicine, Sinai Health System
Classification: Likely benign for Autosomal dominant nonsyndromic hearing loss 70. Last evaluated: 2023-12-15. Review status: criteria provided, single submitter. Criteria: ACMG Guidelines, 2015. Collection method: research. Allele origin: germline.

Women's Health and Genetics/Laboratory Corporation of America, LabCorp
Classification: Likely benign. Last evaluated: 2023-05-12. Review status: criteria provided, single submitter. Criteria: LabCorp Variant Classification Summary - May 2015. Collection method: clinical testing. Allele origin: germline.
Comment: Variant summary: MCM2 c.53G>C (p.Arg18Pro) results in a non-conservative amino acid change in the encoded protein sequence. Four of five in-silico tools predict a benign effect of the variant on protein function. The variant allele was found at a frequency of 0.0033 in 328844 control chromosomes (gnomAD and jMorp databases), predominantly at a frequency of 0.013 in a cohort of healthy Japanese individuals, including 9 homozygotes (jMorp datbase, ToMMo 38KJPN cohort; Tadaka_2021). The high allele frequency and presence of homozygotes in the Japanese subpopulation strongly suggest that the variant is benign. c.53G>C has been reported in the literature in individuals affected with polycystic ovary syndrome, however without strong evidence for causality (e.g., Zhou_2023). These reports do not provide unequivocal conclusions about association of the variant with Autosomal Dominant Nonsyndromic Hearing Loss 70. To our knowledge, no experimental evidence demonstrating an impact on protein function has been reported. The following publications have been ascertained in the context of this evaluation (PMID: 33179747, 37132453). No clinical diagnostic laboratories have submitted clinical-significance assessments for this variant to ClinVar after 2014. Based on the evidence outlined above, the variant was classified as likely benign.

Literature cited by the submitters: PubMed 33179747 (cited by Women's Health and Genetics/Laboratory Corporation of America, LabCorp); PubMed 37132453 (cited by Women's Health and Genetics/Laboratory Corporation of America, LabCorp).